The following is an entry in ClinVar:

ClinVar aggregate classification (germline): Uncertain significance (1 of 4 stars; one submission).

Conditions:
Combined oxidative phosphorylation defect type 4. Identifiers: Orphanet 254925, MedGen C1857682, MONDO:0012534, OMIM 610678.

Submission:

MGZ Medical Genetics Center
Classification: Uncertain significance for Combined oxidative phosphorylation defect type 4. Last evaluated: 2021-09-30. Review status: criteria provided, single submitter. Criteria: ACMG Guidelines, 2015. Collection method: clinical testing. Allele origin: germline. Affected: yes. Observed: 1 variant allele.
Comment: ACMG criteria applied: PM2_SUP, BP4

NM_003321.5(TUFM):c.502T>A (p.Leu168Ile)

Gene: TUFM (Tu translation elongation factor, mitochondrial; minus strand). Cytogenetic location: 16p11.2.
Variant type: single nucleotide variant.
Coding change: c.502T>A on transcript NM_003321.5 (MANE Select); coding-DNA position 502, T replaced by A.
Protein change: p.Leu168Ile; replaces leucine 168 with isoleucine.
Molecular consequence: missense variant.
Genome position (GRCh38, 1-based): chr16:28,844,968, A>T on the plus strand (T>A on the coding strand, the complement: TUFM is on the minus strand). VCF-style: chr16-28844968-A-T. GRCh37 (hg19) VCF-style: chr16-28856289-A-T.
Other names: c.502T>A, p.Leu168Ile (NM_001365360.2); short protein forms L168I.
Identifiers: ClinVar variation 1709965 (VCV001709965.2), dbSNP rs2544831163, ClinGen allele CA395417483.